The following is an entry in ClinVar:

ClinVar aggregate classification (germline): Likely benign (1 of 4 stars; one submission).

Submission:

CeGaT Center for Human Genetics Tuebingen
Classification: Likely benign. Last evaluated: 2026-09-01. Review status: criteria provided, single submitter. Criteria: CeGaT Center For Human Genetics Tuebingen Variant Classification Criteria Version 2. Collection method: clinical testing. Allele origin: germline. Affected: yes. Observed: 1 variant allele.
Comment: ZNF142: BP4, BP7

NM_001379659.1(ZNF142):c.3639A>G (p.Thr1213=)

Gene: ZNF142 (zinc finger protein 142; minus strand). Cytogenetic location: 2q35.
Variant type: single nucleotide variant.
Coding change: c.3639A>G on transcript NM_001379659.1 (MANE Select); coding-DNA position 3639, A replaced by G.
Protein change: p.Thr1213=; no amino-acid change (threonine 1213 retained).
Molecular consequence: synonymous variant.
Genome position (GRCh38, 1-based): chr2:218,643,477, T>C on the plus strand (A>G on the coding strand, the complement: ZNF142 is on the minus strand). VCF-style: chr2-218643477-T-C. GRCh37 (hg19) VCF-style: chr2-219508200-T-C.
Other names: c.3039A>G, p.Thr1013= (NM_001105537.5, NM_001366291.3, NM_001379662.1); c.2550A>G, p.Thr850= (NM_001366287.3, NM_001366288.3, NM_001366289.3); c.3639A>G, p.Thr1213= (NM_001366290.3, NM_001379660.1, NM_001379661.1).
Identifiers: ClinVar variation 5041369 (VCV005041369.1).